The following is an entry in ClinVar:

NM_182961.4(SYNE1):c.952G>A (p.Val318Ile)

Gene: SYNE1 (spectrin repeat containing nuclear envelope protein 1; minus strand). Cytogenetic location: 6q25.2.
Variant type: single nucleotide variant.
Coding change: c.952G>A on transcript NM_182961.4 (MANE Select); coding-DNA position 952, G replaced by A.
Protein change: p.Val318Ile; replaces valine 318 with isoleucine.
Molecular consequence: missense variant.
Genome position (GRCh38, 1-based): chr6:152,488,491, C>T on the plus strand (G>A on the coding strand, the complement: SYNE1 is on the minus strand). VCF-style: chr6-152488491-C-T. GRCh37 (hg19) VCF-style: chr6-152809626-C-T.
Other names: c.952G>A (NM_182961.2); c.973G>A, p.Val325Ile (NM_033071.5); short protein forms V325I, V318I.
Identifiers: ClinVar variation 837114 (VCV000837114.12), dbSNP rs373619878, ClinGen allele CA4059550.
Genomic context (GRCh38, chr6:152,488,491, plus strand): 5'-GTGCTCTTGTCAAATCTCTCTCAAATTGTTCTATCCAAACTTTCATTTCCTTAAAAATTA[C>T]TCTGTCTTCTCTCTGGAAATGAGGAGACATTACAATTTTATTAGTATCTGTGCATTTATT-3'
Protein context (NP_892006.3, residues 308-328): SVQNFKREDR[Val318Ile]IFKEMKVWIE

ClinVar aggregate classification (germline): Uncertain significance. Review status: criteria provided, multiple submitters, no conflicts (2 of 4 stars). 4 submissions from 4 submitters: Uncertain significance (4). Last evaluated 2026-02-13.

Conditions:
Emery-Dreifuss muscular dystrophy 4, autosomal dominant (EDMD4). Also called: EMERY-DREIFUSS MUSCULAR DYSTROPHY 4 WITH VARIABLE FEATURES. Identifiers: Orphanet 261, MedGen C2751807, MONDO:0013071, OMIM 612998.
Autosomal recessive ataxia, Beauce type. Also called: Spinocerebellar ataxia, autosomal recessive 8; ATAXIA, RECESSIVE, OF BEAUCE; SYNE1-Related Autosomal Recessive Cerebellar Ataxia; SYNE1 Deficiency. Identifiers: Orphanet 88644, MedGen C1853116, MONDO:0012549, OMIM 610743.

Allele frequency attached by ClinVar (database versions not stated): ExAC 0.00005; gnomAD 0.00005; gnomAD exomes 0.00005 and 0.00007; TOPMed 0.00005; ESP Exome Variant Server 0.00008.
gnomAD v4.1: 70 of 1,574,226 alleles (0.0044%); highest among the groups gnomAD compares: Admixed American, 0.02%; no homozygotes.

Submissions (4):

Women's Health and Genetics/Laboratory Corporation of America, LabCorp
Classification: Uncertain significance. Last evaluated: 2026-02-13. Review status: criteria provided, single submitter. Criteria: LabCorp Variant Classification Summary - May 2015. Collection method: clinical testing. Allele origin: germline.
Comment: Variant summary: SYNE1 c.973G>A (p.Val325Ile) results in a conservative amino acid change in the encoded protein sequence. Algorithms developed to predict the effect of missense changes on protein structure and function all suggest that this variant is likely to be tolerated. The variant allele was found at a frequency of 6.9e-05 in 247816 control chromosomes. This frequency is not significantly higher than estimated for disease-causing variants in SYNE1, allowing no conclusion about variant significance. To our knowledge, no occurrence of c.973G>A in individuals affected with SYNE1-related conditions and no experimental evidence demonstrating its impact on protein function have been reported. ClinVar contains an entry for this variant (Variation ID: 837114). Based on the evidence outlined above, the variant was classified as uncertain significance.

Labcorp Genetics (formerly Invitae), Labcorp
Classification: Uncertain significance for Emery-Dreifuss muscular dystrophy 4, autosomal dominant; Autosomal recessive ataxia, Beauce type. Last evaluated: 2023-10-05. Review status: criteria provided, single submitter. Criteria: Invitae Variant Classification Sherloc (09022015). Collection method: clinical testing. Allele origin: germline.
Comment: This sequence change replaces valine, which is neutral and non-polar, with isoleucine, which is neutral and non-polar, at codon 325 of the SYNE1 protein (p.Val325Ile). This variant is present in population databases (rs373619878, gnomAD 0.03%). This variant has not been reported in the literature in individuals affected with SYNE1-related conditions. ClinVar contains an entry for this variant (Variation ID: 837114). An algorithm developed to predict the effect of missense changes on protein structure and function (PolyPhen-2) suggests that this variant¬†is likely to be tolerated. In summary, the available evidence is currently insufficient to determine the role of this variant in disease. Therefore, it has been classified as a Variant of Uncertain Significance.

Revvity Omics, Revvity
Classification: Uncertain significance. Last evaluated: 2020-11-05. Review status: criteria provided, single submitter. Criteria: ACMG Guidelines, 2015. Collection method: clinical testing. Allele origin: germline.

Athena Diagnostics
Classification: Uncertain significance. Last evaluated: 2020-10-28. Review status: criteria provided, single submitter. Criteria: Athena Diagnostics criteria. Collection method: clinical testing. Allele origin: unknown.